The following is an entry in ClinVar:

ClinVar aggregate classification (germline): Uncertain significance (1 of 4 stars; one submission).

Conditions:
Hereditary pancreatitis (PCTT). Also called: Hereditary chronic pancreatitis; PRSS1-Related Hereditary Pancreatitis. Identifiers: Orphanet 676, MedGen C0238339, MONDO:0008185, OMIM 167800.

Allele frequency attached by ClinVar (database versions not stated): gnomAD exomes below 0.00001.

Submission:

Ambry Genetics
Classification: Uncertain significance for Hereditary pancreatitis. Last evaluated: 2023-02-12. Review status: criteria provided, single submitter. Criteria: Ambry Variant Classification Scheme 2023. Collection method: clinical testing. Allele origin: germline.
Comment: The p.A169T variant (also known as c.505G>A), located in coding exon 4 of the PRSS1 gene, results from a G to A substitution at nucleotide position 505. The alanine at codon 169 is replaced by threonine, an amino acid with similar properties. This amino acid position is conserved. In addition, this alteration is predicted to be tolerated by in silico analysis. Since supporting evidence is limited at this time, the clinical significance of this alteration remains unclear.

NM_002769.5(PRSS1):c.505G>A (p.Ala169Thr)

Genes: PRSS1 (serine protease 1; plus strand), TRB (T cell receptor beta locus; plus strand). Cytogenetic location: 7q34.
Variant type: single nucleotide variant.
Coding change: c.505G>A on transcript NM_002769.5 (MANE Select); coding-DNA position 505, G replaced by A.
Protein change: p.Ala169Thr; replaces alanine 169 with threonine.
Molecular consequence: missense variant. On other transcripts: non-coding transcript variant (5).
Genome position (GRCh38, 1-based): chr7:142,752,481, G>A. VCF-style: chr7-142752481-G-A. GRCh37 (hg19) VCF-style: chr7-142460332-G-A.
Other names: short protein forms A169T.
Identifiers: ClinVar variation 2496906 (VCV002496906.2), dbSNP rs1285885738, ClinGen allele CA369609561.